The following is an entry in ClinVar:

NM_000501.4(ELN):c.814G>A (p.Gly272Arg)

Gene: ELN (elastin; plus strand). Cytogenetic location: 7q11.23.
Variant type: single nucleotide variant.
Coding change: c.814G>A on transcript NM_000501.4 (MANE Select); coding-DNA position 814, G replaced by A.
Protein change: p.Gly272Arg; replaces glycine 272 with arginine.
Molecular consequence: missense variant.
Genome position (GRCh38, 1-based): chr7:74,051,764, G>A. VCF-style: chr7-74051764-G-A. GRCh37 (hg19) VCF-style: chr7-73466094-G-A.
Other names: c.784G>A, p.Gly262Arg (NM_001081752.3, NM_001278917.2); c.829G>A, p.Gly277Arg (NM_001081753.3, NM_001081754.3); c.814G>A, p.Gly272Arg (NM_001081755.3, NM_001278912.2, NM_001278915.2 and 1 more transcripts); c.706G>A, p.Gly236Arg (NM_001278913.2); c.799G>A, p.Gly267Arg (NM_001278914.2); c.772G>A, p.Gly258Arg (NM_001278916.2); c.682G>A, p.Gly228Arg (NM_001278918.2); short protein forms G262R, G267R, G277R, G258R, G272R, G228R, G236R.
Identifiers: ClinVar variation 2778493 (VCV002778493.3), dbSNP rs527441189, ClinGen allele CA4292716.

ClinVar aggregate classification (germline): Uncertain significance (1 of 4 stars; one submission).

Conditions:
Supravalvar aortic stenosis (SVAS). Also called: Supravalvar aortic stenosis, Eisenberg type. Identifiers: Orphanet 3193, MedGen C0003499, MONDO:0008504, OMIM 185500, HP:0004381.

Allele frequency attached by ClinVar (database versions not stated): TOPMed below 0.00001; gnomAD 0.00001; ExAC 0.00003; 1000 Genomes Project 30x 0.00016; 1000 Genomes Project 0.00020.
gnomAD v4.1: 15 of 1,614,208 alleles (0.00093%); highest among the groups gnomAD compares: South Asian, 0.012%; no homozygotes.

Submission:

Labcorp Genetics (formerly Invitae), Labcorp
Classification: Uncertain significance for Supravalvar aortic stenosis. Last evaluated: 2025-12-15. Review status: criteria provided, single submitter. Criteria: Invitae Variant Classification Sherloc (09022015). Collection method: clinical testing. Allele origin: germline.
Comment: This sequence change replaces glycine, which is neutral and non-polar, with arginine, which is basic and polar, at codon 272 of the ELN protein (p.Gly272Arg). This variant is present in population databases (rs527441189, gnomAD 0.02%). This variant has not been reported in the literature in individuals affected with ELN-related conditions. ClinVar contains an entry for this variant (Variation ID: 2778493). Invitae Evidence Modeling of protein sequence and biophysical properties (such as structural, functional, and spatial information, amino acid conservation, physicochemical variation, residue mobility, and thermodynamic stability) indicates that this missense variant is not expected to disrupt ELN protein function with a negative predictive value of 80%. In summary, the available evidence is currently insufficient to determine the role of this variant in disease. Therefore, it has been classified as a Variant of Uncertain Significance.